The following is an entry in ClinVar:

ClinVar aggregate classification (germline): Uncertain significance (1 of 4 stars; one submission).

gnomAD v4.1: 10 of 1,200,115 alleles (0.00083%); highest among the groups gnomAD compares: Admixed American, 0.0022%; no homozygotes.

Submission:

GeneDx
Classification: Uncertain significance. Last evaluated: 2026-10-17. Review status: criteria provided, single submitter. Criteria: GeneDx Variant Classification Process June 2021. Collection method: clinical testing. Allele origin: germline.
Comment: Has not been previously published as pathogenic or benign to our knowledge; Not observed at significant frequency in large population cohorts (gnomAD); In silico analysis indicates that this missense variant does not alter protein structure/function; In silico analysis suggests this variant may impact gene splicing. In the absence of RNA/functional studies, the actual effect of this sequence change is unknown.

NM_002063.4(GLRA2):c.1097G>A (p.Arg366His)

Genes: FANCB (FA complementation group B; minus strand), GLRA2 (glycine receptor alpha 2; plus strand). Cytogenetic location: Xp22.2.
Variant type: single nucleotide variant.
Coding change: c.1097G>A on transcript NM_002063.4 (MANE Select); coding-DNA position 1097, G replaced by A.
Protein change: p.Arg366His; replaces arginine 366 with histidine.
Molecular consequence: missense variant.
Genome position (GRCh38, 1-based): chrX:14,730,223, G>A. VCF-style: chrX-14730223-G-A. GRCh37 (hg19) VCF-style: chrX-14748345-G-A.
Other names: c.1097G>A, p.Arg366His (NM_001118885.2, NM_001118886.2); c.830G>A, p.Arg277His (NM_001171942.2); short protein forms R277H, R366H.
Identifiers: ClinVar variation 4527590 (VCV004527590.2).